The following is an entry in ClinVar:

ClinVar aggregate classification (germline): Uncertain significance. Review status: criteria provided, multiple submitters, no conflicts (2 of 4 stars). 2 submissions from 2 submitters: Uncertain significance (2). Last evaluated 2025-10-15.

Conditions:
Inborn genetic diseases. Identifiers: MedGen C0950123, MeSH D030342.
Epidermodysplasia verruciformis. Identifiers: Orphanet 302, MedGen C0014522, MONDO:0009176.

Allele frequency attached by ClinVar (database versions not stated): TOPMed 0.00001; gnomAD 0.00003.
gnomAD v4.1: 25 of 1,581,780 alleles (0.0016%); highest among the groups gnomAD compares: African/African-American, 0.0067%; no homozygotes.

Submissions (2):

Ambry Genetics
Classification: Uncertain significance for Inborn genetic diseases. Last evaluated: 2025-10-15. Review status: criteria provided, single submitter. Criteria: Ambry Variant Classification Scheme 2023. Collection method: clinical testing. Allele origin: germline.

Labcorp Genetics (formerly Invitae), Labcorp
Classification: Uncertain significance for Epidermodysplasia verruciformis. Last evaluated: 2022-03-10. Review status: criteria provided, single submitter. Criteria: Invitae Variant Classification Sherloc (09022015). Collection method: clinical testing. Allele origin: germline.
Comment: In summary, the available evidence is currently insufficient to determine the role of this variant in disease. Therefore, it has been classified as a Variant of Uncertain Significance. Algorithms developed to predict the effect of missense changes on protein structure and function output the following: SIFT: "Tolerated"; PolyPhen-2: "Benign"; Align-GVGD: "Class C0". The histidine amino acid residue is found in multiple mammalian species, which suggests that this missense change does not adversely affect protein function. This variant has not been reported in the literature in individuals affected with TMC8-related conditions. The frequency data for this variant in the population databases is considered unreliable, as metrics indicate poor data quality at this position in the gnomAD database. This sequence change replaces arginine, which is basic and polar, with histidine, which is basic and polar, at codon 719 of the TMC8 protein (p.Arg719His).

NM_152468.5(TMC8):c.2156G>A (p.Arg719His)

Gene: TMC8 (transmembrane channel like 8; plus strand). Cytogenetic location: 17q25.3.
Variant type: single nucleotide variant.
Coding change: c.2156G>A on transcript NM_152468.5 (MANE Select); coding-DNA position 2156, G replaced by A.
Protein change: p.Arg719His; replaces arginine 719 with histidine.
Molecular consequence: missense variant.
Genome position (GRCh38, 1-based): chr17:78,141,087, G>A. VCF-style: chr17-78141087-G-A. GRCh37 (hg19) VCF-style: chr17-76137168-G-A.
Other names: short protein forms R719H.
Identifiers: ClinVar variation 2187055 (VCV002187055.3), dbSNP rs776097975, ClinGen allele CA8797141.